The following is an entry in ClinVar:

NM_024592.5(SRD5A3):c.509A>G (p.Tyr170Cys)

Gene: SRD5A3 (steroid 5 alpha-reductase 3; plus strand). Cytogenetic location: 4q12.
Variant type: single nucleotide variant.
Coding change: c.509A>G on transcript NM_024592.5 (MANE Select); coding-DNA position 509, A replaced by G.
Protein change: p.Tyr170Cys; replaces tyrosine 170 with cysteine.
Molecular consequence: missense variant.
Genome position (GRCh38, 1-based): chr4:55,364,218, A>G. VCF-style: chr4-55364218-A-G. GRCh37 (hg19) VCF-style: chr4-56230385-A-G.
Other names: c.509A>G, p.Tyr170Cys (NM_001410732.1); short protein forms Y170C.
Identifiers: ClinVar variation 2271557 (VCV002271557.5), dbSNP rs762673304, ClinGen allele CA97481305.

ClinVar aggregate classification (germline): Uncertain significance. Review status: criteria provided, multiple submitters, no conflicts (2 of 4 stars). 4 submissions from 4 submitters: Uncertain significance (4). Last evaluated 2025-11-01.

Conditions:
SRD5A3-congenital disorder of glycosylation. Also called: COLOBOMA, OCULAR, WITH ICHTHYOSIS, BRAIN MALFORMATIONS, AND ENDOCRINE ABNORMALITIES; Congenital disorder of glycosylation type 1Q; CDG Iq; Ocular colobomas, ichthyosis, brain malformations and endocrine abnormalities; SRD5A3-CDG. Identifiers: Orphanet 324737, MedGen C4317224, MONDO:0012885, OMIM 612379.
Inborn genetic diseases. Identifiers: MedGen C0950123, MeSH D030342.

Allele frequency attached by ClinVar (database versions not stated): gnomAD 0.00001; gnomAD exomes 0.00001; TOPMed 0.00004.

Submissions (4):

Medical Molecular Genetics, National Research Centre
Classification: Uncertain significance for SRD5A3-congenital disorder of glycosylation. Last evaluated: 2025-11-01. Review status: criteria provided, single submitter. Criteria: ACMG Guidelines, 2015. Collection method: research. Allele origin: inherited. Affected: yes.

Medical Molecular Genetics Department, National Research Center
Classification: Uncertain significance for SRD5A3-congenital disorder of glycosylation. Last evaluated: 2025-01-02. Review status: criteria provided, single submitter. Criteria: ACMG Guidelines, 2015. Collection method: clinical testing. Allele origin: germline. Affected: yes.
Comment: PM2

Blueprint Genetics
Classification: Uncertain significance. Last evaluated: 2022-10-26. Review status: criteria provided, single submitter. Criteria: ACMG Guidelines, 2015. Collection method: clinical testing. Allele origin: germline.

Ambry Genetics
Classification: Uncertain significance for Inborn genetic diseases. Last evaluated: 2022-01-10. Review status: criteria provided, single submitter. Criteria: Ambry Variant Classification Scheme 2023. Collection method: clinical testing. Allele origin: germline.